The following is an entry in ClinVar:

ClinVar aggregate classification (germline): Uncertain significance (1 of 4 stars; one submission).

Conditions:
Inborn genetic diseases. Identifiers: MedGen C0950123, MeSH D030342.

gnomAD v4.1: 2 of 1,521,026 alleles (0.00013%); highest among the groups gnomAD compares: Non-Finnish European, 0.00018%; no homozygotes.

Submission:

Ambry Genetics
Classification: Uncertain significance for Inborn genetic diseases. Last evaluated: 2024-12-22. Review status: criteria provided, single submitter. Criteria: Ambry Variant Classification Scheme 2023. Collection method: clinical testing. Allele origin: germline.
Comment: The p.Q72P variant (also known as c.215A>C), located in coding exon 1 of the SH2B3 gene, results from an A to C substitution at nucleotide position 215. The glutamine at codon 72 is replaced by proline, an amino acid with similar properties. This amino acid position is conserved. In addition, the in silico prediction for this alteration is inconclusive. Based on the available evidence, the clinical significance of this variant remains unclear.

NM_005475.3(SH2B3):c.215A>C (p.Gln72Pro)

Gene: SH2B3 (SH2B adaptor protein 3; plus strand). Cytogenetic location: 12q24.12.
Variant type: single nucleotide variant.
Coding change: c.215A>C on transcript NM_005475.3 (MANE Select); coding-DNA position 215, A replaced by C.
Protein change: p.Gln72Pro; replaces glutamine 72 with proline.
Molecular consequence: missense variant.
Genome position (GRCh38, 1-based): chr12:111,418,360, A>C. VCF-style: chr12-111418360-A-C. GRCh37 (hg19) VCF-style: chr12-111856164-A-C.
Other names: short protein forms Q72P.
Identifiers: ClinVar variation 3795030 (VCV003795030.1).
Genomic context (GRCh38, chr12:111,418,360, plus strand): 5'-ATCCGCAGCACGCGCCGCTGCGCGCCGAGCTGGTGTCGCTGCAGTTCACCGACCTCTTCC[A>C]GCGCTACTTCTGCCGCGAGGTGCGCGACGGACGGGCGCCGGGCCGCGACTACCGGGACAC-3'
Protein context (NP_005466.1, residues 62-82): LVSLQFTDLF[Gln72Pro]RYFCREVRDG